The following is an entry in ClinVar:

ClinVar aggregate classification (germline): Pathogenic. Review status: criteria provided, single submitter (1 of 4 stars). 2 submissions from 2 submitters: Pathogenic (1). 1 of the submissions does not count toward it. Last evaluated 2017-10-06.

Conditions:
Ateleiotic dwarfism (IGHD1A). Also called: Growth hormone deficiency, isolated autosomal recessive; ILLIG type growth hormone deficiency; Pituitary dwarfism 1; Isolated growth hormone deficiency type 1A; SEXUAL ATELEIOTIC DWARFISM; IGHD IA. Identifiers: Orphanet 231662, Orphanet 631, MedGen C0342573, MONDO:0009876, OMIM 262400.

Submissions (2):

Institute of Human Genetics, University of Leipzig Medical Center
Classification: Pathogenic for Ateleiotic dwarfism. Last evaluated: 2017-10-06. Review status: criteria provided, single submitter. Criteria: ACMG Guidelines, 2015. Collection method: clinical testing. Allele origin: germline. Affected: yes. Observed: 1 variant allele.
Comment: This variant was identified as homozygous

OMIM
Classification: Pathogenic for ISOLATED GROWTH HORMONE DEFICIENCY, TYPE IA. Last evaluated: 1993-05-01. Review status: no assertion criteria provided. Collection method: literature only. Allele origin: germline. Not counted in ClinVar's aggregate classification.

Literature cited by the submitters: PubMed 8496314 (cited by OMIM).

NM_000515.5(GH1):c.59G>A (p.Trp20Ter)

Genes: GH1 (growth hormone 1; minus strand), GH-LCR (growth hormone locus control region; plus strand). Cytogenetic location: 17q23.3.
Variant type: single nucleotide variant.
Coding change: c.59G>A on transcript NM_000515.5 (MANE Select); coding-DNA position 59, G replaced by A.
Protein change: p.Trp20Ter; replaces tryptophan 20 with a stop codon.
Molecular consequence: nonsense.
Genome position (GRCh38, 1-based): chr17:63,918,458, C>T on the plus strand (G>A on the coding strand, the complement: GH1 is on the minus strand). VCF-style: chr17-63918458-C-T. GRCh37 (hg19) VCF-style: chr17-61995818-C-T.
Other names: c.59G>A, p.Trp20Ter (NM_022559.4, NM_022560.4); short protein forms W20*.
Identifiers: ClinVar variation 15963 (VCV000015963.2), dbSNP rs137853219, ClinGen allele CA126111.